The following is an entry in ClinVar:

ClinVar aggregate classification (germline): Uncertain significance (1 of 4 stars; one submission).

Conditions:
Developmental and epileptic encephalopathy 94 (DEE94). Also called: Epileptic encephalopathy, childhood-onset; CHD2-Related Neurodevelopmental Disorders. Identifiers: Orphanet 1942, Orphanet 2382, MedGen C3809278, MONDO:0014150, OMIM 615369.

gnomAD v4.1: 1 of 1,613,368 alleles (0.000062%); highest among the groups gnomAD compares: African/African-American, 0.0013%; no homozygotes.

Submission:

Labcorp Genetics (formerly Invitae), Labcorp
Classification: Uncertain significance for Developmental and epileptic encephalopathy 94. Last evaluated: 2024-08-08. Review status: criteria provided, single submitter. Criteria: Invitae Variant Classification Sherloc (09022015). Collection method: clinical testing. Allele origin: germline.
Comment: This sequence change replaces tyrosine, which is neutral and polar, with histidine, which is basic and polar, at codon 1274 of the CHD2 protein (p.Tyr1274His). This variant is not present in population databases (gnomAD no frequency). This variant has not been reported in the literature in individuals affected with CHD2-related conditions. Advanced modeling of protein sequence and biophysical properties (such as structural, functional, and spatial information, amino acid conservation, physicochemical variation, residue mobility, and thermodynamic stability) performed at Invitae indicates that this missense variant is not expected to disrupt CHD2 protein function with a negative predictive value of 95%. In summary, the available evidence is currently insufficient to determine the role of this variant in disease. Therefore, it has been classified as a Variant of Uncertain Significance.

NM_001271.4(CHD2):c.3820T>C (p.Tyr1274His)

Gene: CHD2 (chromodomain helicase DNA binding protein 2; plus strand). Cytogenetic location: 15q26.1.
Variant type: single nucleotide variant.
Coding change: c.3820T>C on transcript NM_001271.4 (MANE Select); coding-DNA position 3820, T replaced by C.
Protein change: p.Tyr1274His; replaces tyrosine 1274 with histidine.
Molecular consequence: missense variant.
Genome position (GRCh38, 1-based): chr15:92,997,338, T>C. VCF-style: chr15-92997338-T-C. GRCh37 (hg19) VCF-style: chr15-93540568-T-C.
Other names: short protein forms Y1274H.
Identifiers: ClinVar variation 3719670 (VCV003719670.2).